The following is an entry in ClinVar:

NM_007194.4(CHEK2):c.217T>C (p.Ser73Pro)

Gene: CHEK2 (checkpoint kinase 2; minus strand). Cytogenetic location: 22q12.1.
Variant type: single nucleotide variant.
Coding change: c.217T>C on transcript NM_007194.4 (MANE Select); coding-DNA position 217, T replaced by C.
Protein change: p.Ser73Pro; replaces serine 73 with proline.
Molecular consequence: missense variant.
Genome position (GRCh38, 1-based): chr22:28,734,505, A>G on the plus strand (T>C on the coding strand, the complement: CHEK2 is on the minus strand). VCF-style: chr22-28734505-A-G. GRCh37 (hg19) VCF-style: chr22-29130493-A-G.
Other names: c.217T>C, p.Ser73Pro (NM_001005735.3, NM_001349956.3, NM_145862.3); c.-561T>C (NM_001257387.3); short protein forms S73P.
Identifiers: ClinVar variation 966564 (VCV000966564.10), dbSNP rs2054319079, ClinGen allele CA411090735.

ClinVar aggregate classification (germline): Uncertain significance (1 of 4 stars; one submission).

Conditions:
Familial cancer of breast. Also called: Hereditary breast cancer; BREAST CANCER, FAMILIAL; hereditary breast carcinoma. Identifiers: Orphanet 227535, MedGen C0346153, MONDO:0016419, OMIM 114480. Disease mechanism: loss of function.

Submission:

Labcorp Genetics (formerly Invitae), Labcorp
Classification: Uncertain significance for Familial cancer of breast. Last evaluated: 2023-04-28. Review status: criteria provided, single submitter. Criteria: Invitae Variant Classification Sherloc (09022015). Collection method: clinical testing. Allele origin: germline.
Comment: This variant has not been reported in the literature in individuals affected with CHEK2-related conditions. This sequence change replaces serine, which is neutral and polar, with proline, which is neutral and non-polar, at codon 73 of the CHEK2 protein (p.Ser73Pro). This variant is not present in population databases (gnomAD no frequency). ClinVar contains an entry for this variant (Variation ID: 966564). An algorithm developed to predict the effect of missense changes on protein structure and function (PolyPhen-2) suggests that this variant is likely to be disruptive. In summary, the available evidence is currently insufficient to determine the role of this variant in disease. Therefore, it has been classified as a Variant of Uncertain Significance.